The following is an entry in ClinVar:

ClinVar aggregate classification (germline): Likely benign. Review status: criteria provided, multiple submitters, no conflicts (2 of 4 stars). 7 submissions from 7 submitters: Likely benign (7). Last evaluated 2026-09-01.

Conditions:
Primary ciliary dyskinesia 23 (CILD23). Also called: CILIARY DYSKINESIA, PRIMARY, 23, WITH OR WITHOUT SITUS INVERSUS. Identifiers: Orphanet 244, MedGen C3809548, MONDO:0014193, OMIM 615451.
Primary ciliary dyskinesia. Also called: Ciliary dyskinesia. Identifiers: Orphanet 244, MedGen C0008780, MONDO:0016575, HP:0012265.

Allele frequency attached by ClinVar (database versions not stated): 1000 Genomes Project 30x 0.00062; 1000 Genomes Project 0.00080; ExAC 0.00089; gnomAD exomes 0.00094 and 0.00152; ESP Exome Variant Server 0.00100; gnomAD 0.00109 and 0.00114; TOPMed 0.00117.
gnomAD v4.1: 2,384 of 1,611,886 alleles (0.15%); highest among the groups gnomAD compares: Non-Finnish European, 0.19%; 4 homozygotes.

Submissions (7):

CeGaT Center for Human Genetics Tuebingen
Classification: Likely benign. Last evaluated: 2026-09-01. Review status: criteria provided, single submitter. Criteria: CeGaT Center For Human Genetics Tuebingen Variant Classification Criteria Version 2. Collection method: clinical testing. Allele origin: germline. Affected: yes. Observed: 2 variant alleles.
Comment: ODAD2: BP4, BP7

Labcorp Genetics (formerly Invitae), Labcorp
Classification: Likely benign for Primary ciliary dyskinesia 23. Last evaluated: 2026-01-28. Review status: criteria provided, single submitter. Criteria: Invitae Variant Classification Sherloc (09022015). Collection method: clinical testing. Allele origin: germline.

Mayo Clinic Laboratories, Mayo Clinic
Classification: Likely benign. Last evaluated: 2025-09-30. Review status: criteria provided, single submitter. Criteria: ACMG Guidelines, 2015. Collection method: clinical testing. Allele origin: germline. Observed: 1 variant allele.
Comment: BP4, BP7

Blueprint Genetics
Classification: Likely benign. Last evaluated: 2024-11-26. Review status: criteria provided, single submitter. Criteria: ACMG Guidelines, 2015. Collection method: clinical testing. Allele origin: germline.

Fulgent Genetics
Classification: Likely benign for Primary ciliary dyskinesia 23. Last evaluated: 2022-04-25. Review status: criteria provided, single submitter. Criteria: ACMG Guidelines, 2015. Collection method: clinical testing. Allele origin: unknown.

Ambry Genetics
Classification: Likely benign for Primary ciliary dyskinesia. Last evaluated: 2017-09-06. Review status: criteria provided, single submitter. Criteria: Ambry Variant Classification Scheme 2023. Collection method: clinical testing. Allele origin: germline.

Breakthrough Genomics
Classification: Likely benign. Review status: criteria provided, single submitter. Criteria: ACMG Guidelines, 2015. Collection method: not provided. Allele origin: germline. Inheritance: Autosomal recessive inheritance. Affected: yes.

NM_018076.5(ODAD2):c.1353T>C (p.Tyr451=)

Gene: ODAD2 (outer dynein arm docking complex subunit 2; minus strand). Cytogenetic location: 10p12.1.
Variant type: single nucleotide variant.
Coding change: c.1353T>C on transcript NM_018076.5 (MANE Select); coding-DNA position 1353, T replaced by C.
Protein change: p.Tyr451=; no amino-acid change (tyrosine 451 retained).
Molecular consequence: synonymous variant. On other transcripts: 5 prime UTR variant (1).
Genome position (GRCh38, 1-based): chr10:27,961,601, A>G on the plus strand (T>C on the coding strand, the complement: ODAD2 is on the minus strand). VCF-style: chr10-27961601-A-G. GRCh37 (hg19) VCF-style: chr10-28250530-A-G.
Other names: p.Tyr451=; c.1353T>C, p.Tyr451= (NM_001290020.2); c.-73T>C (NM_001290021.2); c.429T>C, p.Tyr143= (NM_001312689.2).
Identifiers: ClinVar variation 241257 (VCV000241257.42), dbSNP rs149432727, ClinGen allele CA5453574.